The following is an entry in ClinVar:

NM_020987.5(ANK3):c.5648C>T (p.Ala1883Val)

Gene: ANK3 (ankyrin 3; minus strand). Cytogenetic location: 10q21.2.
Variant type: single nucleotide variant.
Coding change: c.5648C>T on transcript NM_020987.5 (MANE Select); coding-DNA position 5648, C replaced by T.
Protein change: p.Ala1883Val; replaces alanine 1883 with valine.
Molecular consequence: missense variant. On other transcripts: intron variant (4).
Genome position (GRCh38, 1-based): chr10:60,075,233, G>A on the plus strand (C>T on the coding strand, the complement: ANK3 is on the minus strand). VCF-style: chr10-60075233-G-A. GRCh37 (hg19) VCF-style: chr10-61834991-G-A.
Other names: c.4387+5304C>T (NM_001204403.2); c.4408+5304C>T (NM_001204404.2); c.4405+5304C>T (NM_001320874.2); c.1807+5304C>T (NM_001149.4); short protein forms A1883V.
Identifiers: ClinVar variation 1390156 (VCV001390156.6), dbSNP rs773106343, ClinGen allele CA5511982.

ClinVar aggregate classification (germline): Uncertain significance (1 of 4 stars; one submission).

gnomAD v4.1: 3 of 1,614,140 alleles (0.00019%); highest among the groups gnomAD compares: East Asian, 0.0045%; no homozygotes.

Submission:

Labcorp Genetics (formerly Invitae), Labcorp
Classification: Uncertain significance. Last evaluated: 2025-11-24. Review status: criteria provided, single submitter. Criteria: Invitae Variant Classification Sherloc (09022015). Collection method: clinical testing. Allele origin: germline.
Comment: This sequence change replaces alanine, which is neutral and non-polar, with valine, which is neutral and non-polar, at codon 1883 of the ANK3 protein (p.Ala1883Val). This variant is present in population databases (rs773106343, gnomAD 0.006%). This variant has not been reported in the literature in individuals affected with ANK3-related conditions. ClinVar contains an entry for this variant (Variation ID: 1390156). Invitae Evidence Modeling of protein sequence and biophysical properties (such as structural, functional, and spatial information, amino acid conservation, physicochemical variation, residue mobility, and thermodynamic stability) indicates that this missense variant is not expected to disrupt ANK3 protein function with a negative predictive value of 80%. In summary, the available evidence is currently insufficient to determine the role of this variant in disease. Therefore, it has been classified as a Variant of Uncertain Significance.